The following is an entry in ClinVar:

ClinVar aggregate classification (germline): Uncertain significance (1 of 4 stars; one submission).

Conditions:
Deficiency of UDPglucose-hexose-1-phosphate uridylyltransferase. Also called: GALT deficiency; Galactosemia, classic; GALACTOSEMIA I; GALACTOSE-1-PHOSPHATE URIDYLYLTRANSFERASE DEFICIENCY; Transferase Deficiency Galactosemia. Identifiers: Orphanet 352, Orphanet 79239, MedGen C0268151, MONDO:0009258, OMIM 230400.

Submission:

Baylor Genetics
Classification: Uncertain significance for Deficiency of UDPglucose-hexose-1-phosphate uridylyltransferase. Last evaluated: 2019-12-07. Review status: criteria provided, single submitter. Criteria: ACMG Guidelines, 2015. Collection method: clinical testing. Allele origin: unknown. Affected: yes.
Comment: This variant was determined to be of uncertain significance according to ACMG Guidelines, 2015 [PMID:25741868].

NM_000155.4(GALT):c.278T>C (p.Phe93Ser)

Gene: GALT (galactose-1-phosphate uridylyltransferase; plus strand). Cytogenetic location: 9p13.3.
Variant type: single nucleotide variant.
Coding change: c.278T>C on transcript NM_000155.4 (MANE Select); coding-DNA position 278, T replaced by C.
Protein change: p.Phe93Ser; replaces phenylalanine 93 with serine.
Molecular consequence: missense variant. On other transcripts: intron variant (1).
Genome position (GRCh38, 1-based): chr9:34,647,517, T>C. VCF-style: chr9-34647517-T-C. GRCh37 (hg19) VCF-style: chr9-34647514-T-C.
Other names: c.50+259T>C (NM_001258332.2); short protein forms F93S.
Identifiers: ClinVar variation 1028105 (VCV001028105.1), dbSNP rs1821135918, ClinGen allele CA373279173.